The following is an entry in ClinVar:

ClinVar aggregate classification (germline): Conflicting classifications of pathogenicity. Review status: criteria provided, conflicting classifications (1 of 4 stars). 10 submissions from 6 submitters: Uncertain significance (8); Likely benign (1). 1 of the submissions does not count toward it. Last evaluated 2026-03-09.

Conditions:
CEP290-related disorder. Also called: CEP290-related disorders; CEP290-related condition. Identifiers: MedGen CN239314.
Joubert syndrome. Also called: Familial aplasia of the vermis; JOUBERT-BOLTSHAUSER SYNDROME. Identifiers: Orphanet 475, MedGen C5979921, MONDO:0018772.
Meckel-Gruber syndrome. Also called: DYSENCEPHALIA SPLANCHNOCYSTICA; GRUBER SYNDROME; Dysencephalia splachnocystica. Identifiers: Orphanet 564, MedGen C0265215, MONDO:0018921.
Nephronophthisis. Also called: Juvenile Nephronophthisis. Identifiers: Orphanet 655, MedGen C0687120, MONDO:0019005, HP:0000090.
Bardet-Biedl syndrome 14 (BBS14). Identifiers: Orphanet 110, MedGen C2673874, MONDO:0014442, OMIM 615991.
Leber congenital amaurosis (LCA). Also called: Leber's amaurosis. Identifiers: Orphanet 65, MedGen C0339527, MeSH D057130, MONDO:0018998.
Leber congenital amaurosis 10 (LCA10). Identifiers: Orphanet 65, MedGen C1857821, MONDO:0012723, OMIM 611755.
Meckel syndrome, type 4 (MKS4). Also called: MECKEL-GRUBER SYNDROME, TYPE 4. Identifiers: Orphanet 564, MedGen C1970161, MONDO:0012626, OMIM 611134.
Joubert syndrome 5 (JBTS5). Identifiers: Orphanet 2318, MedGen C1857780, MONDO:0012432, OMIM 610188.
Senior-Loken syndrome 6 (SLSN6). Identifiers: Orphanet 3156, MedGen C1857779, MONDO:0012433, OMIM 610189.

Allele frequency attached by ClinVar (database versions not stated): TOPMed 0.00004; gnomAD 0.00003.
gnomAD v4.1: 17 of 1,606,970 alleles (0.0011%); highest among the groups gnomAD compares: Middle Eastern, 0.016%; no homozygotes.

Submissions (10):

PreventionGenetics, part of Exact Sciences
Classification: Likely benign for CEP290-related condition. Last evaluated: 2026-03-09. Review status: criteria provided, single submitter. Criteria: ACMG Guidelines, 2015. Collection method: clinical testing. Allele origin: germline.
Comment: This variant is classified as likely benign based on ACMG/AMP sequence variant interpretation guidelines (Richards et al. 2015 PMID: 25741868, with internal and published modifications).

Fulgent Genetics
Classification: Uncertain significance for Joubert syndrome 5; Senior-Loken syndrome 6; Meckel syndrome, type 4; Leber congenital amaurosis 10; Bardet-Biedl syndrome 14. Last evaluated: 2024-02-21. Review status: criteria provided, single submitter. Criteria: ACMG Guidelines, 2015. Collection method: clinical testing. Allele origin: germline.

Labcorp Genetics (formerly Invitae), Labcorp
Classification: Uncertain significance for Joubert syndrome; Meckel-Gruber syndrome; Nephronophthisis. Last evaluated: 2024-01-19. Review status: criteria provided, single submitter. Criteria: Invitae Variant Classification Sherloc (09022015). Collection method: clinical testing. Allele origin: germline.
Comment: This sequence change affects codon 453 of the CEP290 mRNA. It is a 'silent' change, meaning that it does not change the encoded amino acid sequence of the CEP290 protein. This variant also falls at the last nucleotide of exon 14, which is part of the consensus splice site for this exon. This variant is present in population databases (rs779195306, gnomAD 0.02%). This variant has not been reported in the literature in individuals affected with CEP290-related conditions. ClinVar contains an entry for this variant (Variation ID: 310620). Variants that disrupt the consensus splice site are a relatively common cause of aberrant splicing (PMID: 17576681, 9536098). Algorithms developed to predict the effect of sequence changes on RNA splicing suggest that this variant is not likely to affect RNA splicing. In summary, the available evidence is currently insufficient to determine the role of this variant in disease. Therefore, it has been classified as a Variant of Uncertain Significance.

Blueprint Genetics
Classification: Uncertain significance. Last evaluated: 2023-08-16. Review status: criteria provided, single submitter. Criteria: ACMG Guidelines, 2015. Collection method: clinical testing. Allele origin: germline.

Illumina Laboratory Services, Illumina
Classification: Uncertain significance for Meckel syndrome, type 4. Last evaluated: 2018-01-12. Review status: criteria provided, single submitter. Criteria: ICSL Variant Classification Criteria 13 December 2019. Collection method: clinical testing. Allele origin: germline.

Illumina Laboratory Services, Illumina
Classification: Uncertain significance for Joubert syndrome 5. Last evaluated: 2018-01-12. Review status: criteria provided, single submitter. Criteria: ICSL Variant Classification Criteria 13 December 2019. Collection method: clinical testing. Allele origin: germline.

Illumina Laboratory Services, Illumina
Classification: Uncertain significance for Leber congenital amaurosis 10. Last evaluated: 2018-01-12. Review status: criteria provided, single submitter. Criteria: ICSL Variant Classification Criteria 13 December 2019. Collection method: clinical testing. Allele origin: germline.

Illumina Laboratory Services, Illumina
Classification: Uncertain significance for Bardet-Biedl syndrome 14. Last evaluated: 2018-01-12. Review status: criteria provided, single submitter. Criteria: ICSL Variant Classification Criteria 13 December 2019. Collection method: clinical testing. Allele origin: germline.

Illumina Laboratory Services, Illumina
Classification: Uncertain significance for Senior-Loken syndrome 6. Last evaluated: 2018-01-12. Review status: criteria provided, single submitter. Criteria: ICSL Variant Classification Criteria 13 December 2019. Collection method: clinical testing. Allele origin: germline.

Natera, Inc.
Classification: Uncertain significance for Leber congenital amaurosis. Last evaluated: 2019-10-28. Review status: no assertion criteria provided. Collection method: clinical testing. Allele origin: germline. Not counted in ClinVar's aggregate classification.

Literature cited by the submitters: PubMed 17576681 (cited by Labcorp Genetics (formerly Invitae), Labcorp); PubMed 9536098 (cited by Labcorp Genetics (formerly Invitae), Labcorp).

NM_025114.4(CEP290):c.1359G>A (p.Ser453=)

Gene: CEP290 (centrosomal protein 290; minus strand). Cytogenetic location: 12q21.32.
Variant type: single nucleotide variant.
Coding change: c.1359G>A on transcript NM_025114.4 (MANE Select); coding-DNA position 1359, G replaced by A.
Protein change: p.Ser453=; no amino-acid change (serine 453 retained).
Molecular consequence: synonymous variant.
Genome position (GRCh38, 1-based): chr12:88,120,997, C>T on the plus strand (G>A on the coding strand, the complement: CEP290 is on the minus strand). VCF-style: chr12-88120997-C-T. GRCh37 (hg19) VCF-style: chr12-88514774-C-T.
Identifiers: ClinVar variation 310620 (VCV000310620.14), dbSNP rs779195306, ClinGen allele CA6712574.